The following is an entry in ClinVar:

NM_001013627.3(NHSL2):c.3085C>G (p.Pro1029Ala)

Gene: NHSL2 (NHS like 2; plus strand). Cytogenetic location: Xq13.1.
Variant type: single nucleotide variant.
Coding change: c.3085C>G on transcript NM_001013627.3 (MANE Select); coding-DNA position 3085, C replaced by G.
Protein change: p.Pro1029Ala; replaces proline 1029 with alanine.
Molecular consequence: missense variant.
Genome position (GRCh38, 1-based): chrX:72,140,633, C>G. VCF-style: chrX-72140633-C-G. GRCh37 (hg19) VCF-style: chrX-71360483-C-G.
Other names: short protein forms P1029A.
Identifiers: ClinVar variation 2660903 (VCV002660903.24), dbSNP rs1228229491, ClinGen allele CA413585792.
Genomic context (GRCh38, chrX:72,140,633, plus strand): 5'-AGCGTGCTGTACCTGCCTCTCACTTCTCCCACAGCTCAAATGGAGGCCTATGTGGCAGAA[C>G]CAAGGCTGCCTCTCAGCCCCATCATCACCCTGGAGGAAGACACCAAGTGTCCCGCCACCG-3'
Protein context (NP_001013649.2, residues 1019-1039): TAQMEAYVAE[Pro1029Ala]RLPLSPIITL

ClinVar aggregate classification (germline): Likely benign (1 of 4 stars; one submission).

Allele frequency attached by ClinVar (database versions not stated): gnomAD 0.00001; 1000 Genomes Project 30x 0.00042.
gnomAD v4.1: 12 of 1,210,734 alleles (0.00099%); highest among the groups gnomAD compares: South Asian, 0.018%; no homozygotes.

Submission:

CeGaT Center for Human Genetics Tuebingen
Classification: Likely benign. Last evaluated: 2022-12-01. Review status: criteria provided, single submitter. Criteria: CeGaT Center For Human Genetics Tuebingen Variant Classification Criteria Version 2. Collection method: clinical testing. Allele origin: germline. Affected: yes. Observed: 1 variant allele.
Comment: NHSL2: BP4, BS2